The following is an entry in ClinVar:

ClinVar aggregate classification (germline): Uncertain significance (1 of 4 stars; one submission).

gnomAD v4.1: 2 of 1,211,917 alleles (0.00017%); no homozygotes.

Submission:

Women's Health and Genetics/Laboratory Corporation of America, LabCorp
Classification: Uncertain significance. Last evaluated: 2025-07-14. Review status: criteria provided, single submitter. Criteria: LabCorp Variant Classification Summary - May 2015. Collection method: clinical testing. Allele origin: germline.
Comment: Variant summary: CDKL5 c.2576T>A (p.Phe859Tyr) results in a conservative amino acid change in the encoded protein sequence. Algorithms developed to predict the effect of missense changes on protein structure and function all suggest that this variant is likely to be tolerated. The variant allele was found at a frequency of 5.4e-06 in 183489 control chromosomes. The available data on variant occurrences in the general population are insufficient to allow any conclusion about variant significance. To our knowledge, no occurrence of c.2576T>A in individuals affected with Early Infantile Epileptic Encephalopathy 2 and no experimental evidence demonstrating its impact on protein function have been reported. No submitters have cited clinical-significance assessments for this variant to ClinVar. Based on the evidence outlined above, the variant was classified as uncertain significance.

NM_001323289.2(CDKL5):c.2576T>A (p.Phe859Tyr)

Gene: CDKL5 (cyclin dependent kinase like 5; plus strand). Cytogenetic location: Xp22.13.
Variant type: single nucleotide variant.
Coding change: c.2576T>A on transcript NM_001323289.2 (MANE Select); coding-DNA position 2576, T replaced by A.
Protein change: p.Phe859Tyr; replaces phenylalanine 859 with tyrosine.
Molecular consequence: missense variant.
Genome position (GRCh38, 1-based): chrX:18,628,450, T>A. VCF-style: chrX-18628450-T-A. GRCh37 (hg19) VCF-style: chrX-18646570-T-A.
Other names: c.2576T>A, p.Phe859Tyr (NM_001037343.2, NM_003159.3); short protein forms F859Y.
Identifiers: ClinVar variation 4525951 (VCV004525951.1).